The following is an entry in ClinVar:

NM_025082.4(CENPT):c.387-10A>G

Gene: CENPT (centromere protein T; minus strand). Cytogenetic location: 16q22.1.
Variant type: single nucleotide variant.
Coding change: c.387-10A>G on transcript NM_025082.4 (MANE Select); 10 bases into the intron before coding-DNA position 387, A replaced by G.
Molecular consequence: intron variant.
Genome position (GRCh38, 1-based): chr16:67,831,900, T>C on the plus strand (A>G on the coding strand, the complement: CENPT is on the minus strand). VCF-style: chr16-67831900-T-C. GRCh37 (hg19) VCF-style: chr16-67865803-T-C.
Identifiers: ClinVar variation 3053517 (VCV003053517.2), dbSNP rs375024438, ClinGen allele CA8117887.

ClinVar aggregate classification (germline): Likely benign (0 of 4 stars; one submission).

Conditions:
CENPT-related disorder. Also called: CENPT-related condition.

Allele frequency attached by ClinVar (database versions not stated): ExAC 0.00002; gnomAD exomes 0.00002; TOPMed 0.00002; gnomAD 0.00005; ESP Exome Variant Server 0.00008.
gnomAD v4.1: 30 of 1,610,266 alleles (0.0019%); highest among the groups gnomAD compares: African/African-American, 0.004%; no homozygotes.

Submission:

PreventionGenetics, part of Exact Sciences
Classification: Likely benign for CENPT-related condition. Last evaluated: 2019-08-26. Review status: no assertion criteria provided. Collection method: clinical testing. Allele origin: germline.
Comment: This variant is classified as likely benign based on ACMG/AMP sequence variant interpretation guidelines (Richards et al. 2015 PMID: 25741868, with internal and published modifications).